The following is an entry in ClinVar:

NM_001759.4(CCND2):c.344C>T (p.Thr115Ile)

Genes: CCND2 (cyclin D2; plus strand), CCND2-AS1 (CCND2 antisense RNA 1; minus strand). Cytogenetic location: 12p13.32.
Variant type: single nucleotide variant.
Coding change: c.344C>T on transcript NM_001759.4 (MANE Select); coding-DNA position 344, C replaced by T.
Protein change: p.Thr115Ile; replaces threonine 115 with isoleucine.
Molecular consequence: missense variant. On other transcripts: non-coding transcript variant (1).
Genome position (GRCh38, 1-based): chr12:4,276,153, C>T. VCF-style: chr12-4276153-C-T. GRCh37 (hg19) VCF-style: chr12-4385319-C-T.
Other names: short protein forms T115I.
Identifiers: ClinVar variation 2768438 (VCV002768438.3), dbSNP rs762132499, ClinGen allele CA383662214.

ClinVar aggregate classification (germline): Uncertain significance (1 of 4 stars; one submission).

Submission:

Labcorp Genetics (formerly Invitae), Labcorp
Classification: Uncertain significance. Last evaluated: 2023-10-14. Review status: criteria provided, single submitter. Criteria: Invitae Variant Classification Sherloc (09022015). Collection method: clinical testing. Allele origin: germline.
Comment: This sequence change replaces threonine, which is neutral and polar, with isoleucine, which is neutral and non-polar, at codon 115 of the CCND2 protein (p.Thr115Ile). This variant is not present in population databases (gnomAD no frequency). This variant has not been reported in the literature in individuals affected with CCND2-related conditions. Advanced modeling of protein sequence and biophysical properties (such as structural, functional, and spatial information, amino acid conservation, physicochemical variation, residue mobility, and thermodynamic stability) performed at Invitae indicates that this missense variant is not expected to disrupt CCND2 protein function. In summary, the available evidence is currently insufficient to determine the role of this variant in disease. Therefore, it has been classified as a Variant of Uncertain Significance.